The following is an entry in ClinVar:

ClinVar aggregate classification (germline): Conflicting classifications of pathogenicity. Review status: criteria provided, conflicting classifications (1 of 4 stars). 2 submissions from 2 submitters: Uncertain significance (1); Likely benign (1). Last evaluated 2026-06-16.

Conditions:
TTN-related disorder. Also called: TTN-related condition; TTN-related disease; TTN-related disorders.

Submissions (2):

PreventionGenetics, part of Exact Sciences
Classification: Uncertain significance for TTN-related condition. Last evaluated: 2026-06-16. Review status: criteria provided, single submitter. Criteria: ACMG Guidelines, 2015. Collection method: clinical testing. Allele origin: germline.
Comment: The TTN c.31451T>C variant is predicted to result in the amino acid substitution p.Met10484Thr. To our knowledge, this variant has not been reported in the literature or in a large population database (gnomAD), indicating this variant is rare. At this time, the clinical significance of this variant is uncertain due to the absence of conclusive functional and genetic evidence.

Molecular Diagnostic Laboratory for Inherited Cardiovascular Disease, Montreal Heart Institute
Classification: Likely benign. Last evaluated: 2025-04-09. Review status: criteria provided, single submitter. Criteria: ACMG Guidelines, 2015. Collection method: clinical testing. Allele origin: germline. Affected: no.

NM_001267550.2(TTN):c.31451T>C (p.Met10484Thr)

Gene: TTN (titin; minus strand). Cytogenetic location: 2q31.2.
Variant type: single nucleotide variant.
Coding change: c.31451T>C on transcript NM_001267550.2 (MANE Select); coding-DNA position 31451, T replaced by C.
Protein change: p.Met10484Thr; replaces methionine 10484 with threonine.
Molecular consequence: missense variant. On other transcripts: intron variant (3).
Genome position (GRCh38, 1-based): chr2:178,693,984, A>G on the plus strand (T>C on the coding strand, the complement: TTN is on the minus strand). VCF-style: chr2-178693984-A-G. GRCh37 (hg19) VCF-style: chr2-179558711-A-G.
Other names: c.30500T>C, p.Met10167Thr (NM_001256850.1); c.27719T>C, p.Met9240Thr (NM_133378.4); c.13282+44098T>C (NM_003319.4); c.13858+44098T>C (NM_133437.4); c.13657+44098T>C (NM_133432.3); short protein forms M10167T, M10484T, M9240T.
Identifiers: ClinVar variation 3895091 (VCV003895091.2), dbSNP rs370496143.